The following is an entry in ClinVar:

NM_001261826.3(AP3D1):c.2900C>T (p.Pro967Leu)

Gene: AP3D1 (adaptor related protein complex 3 subunit delta 1; minus strand). Cytogenetic location: 19p13.3.
Variant type: single nucleotide variant.
Coding change: c.2900C>T on transcript NM_001261826.3 (MANE Select); coding-DNA position 2900, C replaced by T.
Protein change: p.Pro967Leu; replaces proline 967 with leucine.
Molecular consequence: missense variant.
Genome position (GRCh38, 1-based): chr19:2,111,716, G>A on the plus strand (C>T on the coding strand, the complement: AP3D1 is on the minus strand). VCF-style: chr19-2111716-G-A. GRCh37 (hg19) VCF-style: chr19-2111715-G-A.
Other names: c.2864C>T, p.Pro955Leu (NM_001374799.1); c.2714C>T, p.Pro905Leu (NM_003938.8); short protein forms P905L, P955L, P967L.
Identifiers: ClinVar variation 2193979 (VCV002193979.4), dbSNP rs766493938, ClinGen allele CA9058680.

ClinVar aggregate classification (germline): Uncertain significance (1 of 4 stars; one submission).

Allele frequency attached by ClinVar (database versions not stated): gnomAD exomes below 0.00001; TOPMed 0.00001; gnomAD 0.00002; ExAC 0.00003.
gnomAD v4.1: 7 of 1,602,194 alleles (0.00044%); highest among the groups gnomAD compares: African/African-American, 0.0027%; no homozygotes.

Submission:

Labcorp Genetics (formerly Invitae), Labcorp
Classification: Uncertain significance. Last evaluated: 2023-09-12. Review status: criteria provided, single submitter. Criteria: Invitae Variant Classification Sherloc (09022015). Collection method: clinical testing. Allele origin: germline.
Comment: In summary, the available evidence is currently insufficient to determine the role of this variant in disease. Therefore, it has been classified as a Variant of Uncertain Significance. An algorithm developed to predict the effect of missense changes on protein structure and function (PolyPhen-2) suggests that this variant is likely to be tolerated. ClinVar contains an entry for this variant (Variation ID: 2193979). This variant has not been reported in the literature in individuals affected with AP3D1-related conditions. The frequency data for this variant in the population databases is considered unreliable, as metrics indicate poor data quality at this position in the gnomAD database. This sequence change replaces proline, which is neutral and non-polar, with leucine, which is neutral and non-polar, at codon 967 of the AP3D1 protein (p.Pro967Leu).